The following is an entry in ClinVar:

ClinVar aggregate classification (germline): Pathogenic (1 of 4 stars; one submission).

Conditions:
Familial cancer of breast. Also called: hereditary breast carcinoma; BREAST CANCER, FAMILIAL; Hereditary breast cancer. Identifiers: Orphanet 227535, MedGen C0346153, MONDO:0016419, OMIM 114480. Disease mechanism: loss of function.

Submission:

Myriad Genetics, Inc.
Classification: Pathogenic for Familial cancer of breast. Last evaluated: 2025-05-15. Review status: criteria provided, single submitter. Criteria: Myriad Autosomal Dominant, Autosomal Recessive and X-Linked Classification Criteria (2023). Collection method: clinical testing. Allele origin: unknown.
Comment: This variant is considered pathogenic. This variant creates a frameshift predicted to result in premature protein truncation.

NM_007194.4(CHEK2):c.217del (p.Ser73fs)

Gene: CHEK2 (checkpoint kinase 2; minus strand). Cytogenetic location: 22q12.1.
Variant type: Deletion.
Coding change: c.217del on transcript NM_007194.4 (MANE Select); coding-DNA position 217, one base deleted (T; older notation c.217delT).
Protein change: p.Ser73fs; shifts the reading frame from serine 73.
Molecular consequence: frameshift variant.
Genome position (GRCh38, 1-based): chr22:28,734,505, A deleted on the plus strand (T on the coding strand, the reverse complement: CHEK2 is on the minus strand); the first of 2 consecutive A bases (chr22:28,734,505-28,734,506); deleting either gives the same sequence. VCF-style (leftmost placement, unchanged base first): chr22-28734504-GA-G. GRCh37 (hg19) VCF-style: chr22-29130492-GA-G.
Other names: c.216delT, p.Ser73Leufs (NM_001005735.3, NM_001349956.3, NM_145862.3); c.-562delT (NM_001257387.3); short protein forms S73fs.
Identifiers: ClinVar variation 4071204 (VCV004071204.1).